The following is an entry in ClinVar:

ClinVar aggregate classification (germline): Pathogenic (1 of 4 stars; one submission).

Conditions:
Hereditary cancer-predisposing syndrome. Also called: Neoplastic Syndromes, Hereditary; Tumor predisposition; Hereditary neoplastic syndrome; Hereditary Cancer Syndrome. Identifiers: Orphanet 140162, MedGen C0027672, MeSH D009386, MONDO:0015356.
Familial thoracic aortic aneurysm and aortic dissection (TAAD). Also called: Thoracic aortic aneurysms and dissections. Identifiers: Orphanet 91387, MedGen C4707243, MONDO:0019625.

Submission:

Ambry Genetics
Classification: Pathogenic for Hereditary cancer-predisposing syndrome; Familial thoracic aortic aneurysm and aortic dissection. Last evaluated: 2023-06-06. Review status: criteria provided, single submitter. Criteria: Ambry Variant Classification Scheme 2023. Collection method: clinical testing. Allele origin: germline.
Comment: The c.881dupT pathogenic mutation, located in coding exon 6 of the SMAD4 gene, results from a duplication of T at nucleotide position 881, causing a translational frameshift with a predicted alternate stop codon (p.M294Ifs*14). This variant is considered to be rare based on population cohorts in the Genome Aggregation Database (gnomAD). This alteration is expected to result in loss of function by premature protein truncation or nonsense-mediated mRNA decay. As such, this alteration is interpreted as a disease-causing mutation.

NM_005359.6(SMAD4):c.881dup (p.Met294fs)

Gene: SMAD4 (SMAD family member 4; plus strand). Cytogenetic location: 18q21.2.
Variant type: Duplication.
Coding change: c.881dup on transcript NM_005359.6 (MANE Select); coding-DNA position 881, one base duplicated (T; older notation c.881dupT).
Protein change: p.Met294fs; shifts the reading frame from methionine 294.
Molecular consequence: frameshift variant. On other transcripts: non-coding transcript variant (2).
Genome position (GRCh38, 1-based): chr18:51,058,433, T duplicated. VCF-style (leftmost placement, unchanged base first): chr18-51058432-A-AT. GRCh37 (hg19) VCF-style: chr18-48584802-A-AT.
Other names: c.881dup, p.Met294fs (NM_001407041.1, NM_001407042.1, NM_001407043.1); c.881dupT (NM_005359.5); short protein forms M294fs.
Identifiers: ClinVar variation 3238433 (VCV003238433.1), dbSNP rs2511377439.